The following is an entry in ClinVar:

ClinVar aggregate classification (germline): Uncertain significance (1 of 4 stars; one submission).

Conditions:
Werner syndrome (WRN). Identifiers: Orphanet 902, MedGen C0043119, MONDO:0010196, OMIM 277700.

Submission:

Labcorp Genetics (formerly Invitae), Labcorp
Classification: Uncertain significance for Werner syndrome. Last evaluated: 2022-09-20. Review status: criteria provided, single submitter. Criteria: Invitae Variant Classification Sherloc (09022015). Collection method: clinical testing. Allele origin: germline.
Comment: This sequence change replaces aspartic acid, which is acidic and polar, with asparagine, which is neutral and polar, at codon 470 of the WRN protein (p.Asp470Asn). This variant is not present in population databases (gnomAD no frequency). This variant has not been reported in the literature in individuals affected with WRN-related conditions. Algorithms developed to predict the effect of missense changes on protein structure and function are either unavailable or do not agree on the potential impact of this missense change (SIFT: "Not Available"; PolyPhen-2: "Benign"; Align-GVGD: "Not Available"). In summary, the available evidence is currently insufficient to determine the role of this variant in disease. Therefore, it has been classified as a Variant of Uncertain Significance.

NM_000553.6(WRN):c.1408G>A (p.Asp470Asn)

Gene: WRN (WRN RecQ like helicase; plus strand). Cytogenetic location: 8p12.
Variant type: single nucleotide variant.
Coding change: c.1408G>A on transcript NM_000553.6 (MANE Select); coding-DNA position 1408, G replaced by A.
Protein change: p.Asp470Asn; replaces aspartic acid 470 with asparagine.
Molecular consequence: missense variant.
Genome position (GRCh38, 1-based): chr8:31,085,223, G>A. VCF-style: chr8-31085223-G-A. GRCh37 (hg19) VCF-style: chr8-30942739-G-A.
Other names: short protein forms D470N.
Identifiers: ClinVar variation 2079930 (VCV002079930.4), dbSNP rs759321856, ClinGen allele CA370923848.